The following is an entry in ClinVar:

ClinVar aggregate classification (germline): Uncertain significance (1 of 4 stars; one submission).

Allele frequency attached by ClinVar (database versions not stated): gnomAD exomes 0.00001; ExAC 0.00001.
gnomAD v4.1: 3 of 1,614,012 alleles (0.00019%); highest among the groups gnomAD compares: East Asian, 0.0045%; no homozygotes.

Submission:

Laboratory for Molecular Medicine, Mass General Brigham Personalized Medicine
Classification: Uncertain significance. Last evaluated: 2019-05-22. Review status: criteria provided, single submitter. Criteria: LMM Criteria. Collection method: clinical testing. Allele origin: germline. Observed: 1 variant allele.
Comment: The p.Pro3354Arg variant in ALMS1 has not been previously reported in individuals with hearing loss or Alstrom syndrome but has been identified in 0.01% (2/17960) of East Asian chromosomes by gnomAD. Computational prediction tools and conservation analysis do not provide strong support for or against an impact to the protein. In summary, the clinical significance of this variant is uncertain. ACMG/AMP Criteria applied: PM2_Supporting.

NM_001378454.1(ALMS1):c.10058C>G (p.Pro3353Arg)

Gene: ALMS1 (ALMS1 centrosome and basal body associated protein; plus strand). Cytogenetic location: 2p13.1.
Variant type: single nucleotide variant.
Coding change: c.10058C>G on transcript NM_001378454.1 (MANE Select); coding-DNA position 10058, C replaced by G.
Protein change: p.Pro3353Arg; replaces proline 3353 with arginine.
Molecular consequence: missense variant.
Genome position (GRCh38, 1-based): chr2:73,550,417, C>G. VCF-style: chr2-73550417-C-G. GRCh37 (hg19) VCF-style: chr2-73777544-C-G.
Other names: c.10061C>G, p.Pro3354Arg (NM_015120.4); short protein forms P3353R, P3354R.
Identifiers: ClinVar variation 929990 (VCV000929990.4), dbSNP rs760647310, ClinGen allele CA1714856.